The following is an entry in ClinVar:

NM_173630.4(RTTN):c.1234G>T (p.Asp412Tyr)

Gene: RTTN (rotatin; minus strand). Cytogenetic location: 18q22.2.
Variant type: single nucleotide variant.
Coding change: c.1234G>T on transcript NM_173630.4 (MANE Select); coding-DNA position 1234, G replaced by T.
Protein change: p.Asp412Tyr; replaces aspartic acid 412 with tyrosine.
Molecular consequence: missense variant. On other transcripts: 5 prime UTR variant (1).
Genome position (GRCh38, 1-based): chr18:70,188,179, C>A on the plus strand (G>T on the coding strand, the complement: RTTN is on the minus strand). VCF-style: chr18-70188179-C-A. GRCh37 (hg19) VCF-style: chr18-67855415-C-A.
Other names: c.-1320G>T (NM_001318520.2); short protein forms D412Y.
Identifiers: ClinVar variation 2779107 (VCV002779107.3), dbSNP rs2512972158, ClinGen allele CA402698844.

ClinVar aggregate classification (germline): Uncertain significance (1 of 4 stars; one submission).

Allele frequency attached by ClinVar (database versions not stated): gnomAD exomes below 0.00001.
gnomAD v4.1: 2 of 1,612,006 alleles (0.00012%); highest among the groups gnomAD compares: Non-Finnish European, 0.000085%; no homozygotes.

Submission:

Labcorp Genetics (formerly Invitae), Labcorp
Classification: Uncertain significance. Last evaluated: 2023-01-09. Review status: criteria provided, single submitter. Criteria: Invitae Variant Classification Sherloc (09022015). Collection method: clinical testing. Allele origin: germline.
Comment: This variant has not been reported in the literature in individuals affected with RTTN-related conditions. This variant is not present in population databases (gnomAD no frequency). This sequence change replaces aspartic acid, which is acidic and polar, with tyrosine, which is neutral and polar, at codon 412 of the RTTN protein (p.Asp412Tyr). Advanced modeling of protein sequence and biophysical properties (such as structural, functional, and spatial information, amino acid conservation, physicochemical variation, residue mobility, and thermodynamic stability) performed at Invitae indicates that this missense variant is not expected to disrupt RTTN protein function. In summary, the available evidence is currently insufficient to determine the role of this variant in disease. Therefore, it has been classified as a Variant of Uncertain Significance.